The following is an entry in ClinVar:

ClinVar aggregate classification (germline): Uncertain significance (1 of 4 stars; one submission).

Conditions:
Charcot-Marie-Tooth disease axonal type 2O. Also called: CHARCOT-MARIE-TOOTH NEUROPATHY, AXONAL, TYPE 2O; CHARCOT-MARIE-TOOTH DISEASE, AXONAL, AUTOSOMAL DOMINANT, TYPE 2O; Charcot-Marie-Tooth Neuropathy Type 2O; Charcot-Marie-Tooth disease, axonal, type 20. Identifiers: Orphanet 284232, MedGen C3280220, MONDO:0013644, OMIM 614228.

Allele frequency attached by ClinVar (database versions not stated): TOPMed below 0.00001; gnomAD exomes 0.00001.
gnomAD v4.1: 9 of 1,614,070 alleles (0.00056%); highest among the groups gnomAD compares: Non-Finnish European, 0.00076%; no homozygotes.

Submission:

Labcorp Genetics (formerly Invitae), Labcorp
Classification: Uncertain significance for Charcot-Marie-Tooth disease axonal type 2O. Last evaluated: 2023-04-06. Review status: criteria provided, single submitter. Criteria: Invitae Variant Classification Sherloc (09022015). Collection method: clinical testing. Allele origin: germline.
Comment: This sequence change replaces proline, which is neutral and non-polar, with leucine, which is neutral and non-polar, at codon 4118 of the DYNC1H1 protein (p.Pro4118Leu). This variant is not present in population databases (gnomAD no frequency). This variant has not been reported in the literature in individuals affected with DYNC1H1-related conditions. Advanced modeling of protein sequence and biophysical properties (such as structural, functional, and spatial information, amino acid conservation, physicochemical variation, residue mobility, and thermodynamic stability) performed at Invitae indicates that this missense variant is not expected to disrupt DYNC1H1 protein function. In summary, the available evidence is currently insufficient to determine the role of this variant in disease. Therefore, it has been classified as a Variant of Uncertain Significance.

NM_001376.5(DYNC1H1):c.12353C>T (p.Pro4118Leu)

Gene: DYNC1H1 (dynein cytoplasmic 1 heavy chain 1; plus strand). Cytogenetic location: 14q32.31.
Variant type: single nucleotide variant.
Coding change: c.12353C>T on transcript NM_001376.5 (MANE Select); coding-DNA position 12353, C replaced by T.
Protein change: p.Pro4118Leu; replaces proline 4118 with leucine.
Molecular consequence: missense variant.
Genome position (GRCh38, 1-based): chr14:102,042,461, C>T. VCF-style: chr14-102042461-C-T. GRCh37 (hg19) VCF-style: chr14-102508798-C-T.
Other names: short protein forms P4118L.
Identifiers: ClinVar variation 2906570 (VCV002906570.3), dbSNP rs2048663819, ClinGen allele CA391041005.
Genomic context (GRCh38, chr14:102,042,461, plus strand): 5'-ATGTGCATCTGGCCCCAGGGTGGCTGATGCAGCTGGAGAAGAAGTTGCATTCCCTGCAGC[C>T]GCATGCCTGCTTCCGACTCTTCCTCACCATGGAGATCAACCCCAAGGTGGGTGGTTGAAG-3'
Protein context (NP_001367.2, residues 4108-4128): QLEKKLHSLQ[Pro4118Leu]HACFRLFLTM